The following is an entry in ClinVar:

NM_001394062.1(MACF1):c.11703G>T (p.Glu3901Asp)

Gene: MACF1 (microtubule actin crosslinking factor 1; plus strand). Cytogenetic location: 1p34.3.
Variant type: single nucleotide variant.
Coding change: c.11703G>T on transcript NM_001394062.1 (MANE Select); coding-DNA position 11703, G replaced by T.
Protein change: p.Glu3901Asp; replaces glutamic acid 3901 with aspartic acid.
Molecular consequence: missense variant.
Genome position (GRCh38, 1-based): chr1:39,357,653, G>T. VCF-style: chr1-39357653-G-T. GRCh37 (hg19) VCF-style: chr1-39823325-G-T.
Other names: c.5517G>T, p.Glu1839Asp (NM_012090.5); short protein forms E3901D, E1839D.
Identifiers: ClinVar variation 4716219 (VCV004716219.1).

ClinVar aggregate classification (germline): Uncertain significance (1 of 4 stars; one submission).

Submission:

Labcorp Genetics (formerly Invitae), Labcorp
Classification: Uncertain significance. Last evaluated: 2025-05-16. Review status: criteria provided, single submitter. Criteria: Invitae Variant Classification Sherloc (09022015). Collection method: clinical testing. Allele origin: germline.
Comment: This sequence change replaces glutamic acid, which is acidic and polar, with aspartic acid, which is acidic and polar, at codon 1839 of the MACF1 protein (p.Glu1839Asp). This variant is not present in population databases (gnomAD no frequency). This variant has not been reported in the literature in individuals affected with MACF1-related conditions. An algorithm developed to predict the effect of missense changes on protein structure and function outputs the following: PolyPhen-2: "Benign". The aspartic acid amino acid residue is found in multiple mammalian species, which suggests that this missense change does not adversely affect protein function. In summary, the available evidence is currently insufficient to determine the role of this variant in disease. Therefore, it has been classified as a Variant of Uncertain Significance.